The following is an entry in ClinVar:

NM_004249.4(RAB28):c.605C>T (p.Pro202Leu)

Gene: RAB28 (RAB28, member RAS oncogene family; minus strand). Cytogenetic location: 4p15.33.
Variant type: single nucleotide variant.
Coding change: c.605C>T on transcript NM_004249.4 (MANE Plus Clinical); coding-DNA position 605, C replaced by T.
Protein change: p.Pro202Leu; replaces proline 202 with leucine.
Molecular consequence: missense variant. On other transcripts: intron variant (2).
Genome position (GRCh38, 1-based): chr4:13,369,934, G>A on the plus strand (C>T on the coding strand, the complement: RAB28 is on the minus strand). VCF-style: chr4-13369934-G-A. GRCh37 (hg19) VCF-style: chr4-13371558-G-A.
Other names: c.574-1284C>T (NM_001017979.3); c.*32-1284C>T (NM_001159601.2); short protein forms P202L.
Identifiers: ClinVar variation 968424 (VCV000968424.8), dbSNP rs372883609, ClinGen allele CA2859990.
Genomic context (GRCh38, chr4:13,369,934, plus strand): 5'-CACTACTGTACTGAACAGATTCTACTCTGAGTAGAGGTGGTATGTTGATTTTCTTCTTCC[G>A]GGTACTTCACTATTTCTGCCCTGACAATACGCTGTCAATTCCATACAACATAAATGAGAC-3'
Protein context (NP_004240.2, residues 192-212): RIVRAEIVKY[Pro202Leu]EEENQHTTST

ClinVar aggregate classification (germline): Uncertain significance (1 of 4 stars; one submission).

Allele frequency attached by ClinVar (database versions not stated): ExAC 0.00002; gnomAD 0.00002; gnomAD exomes 0.00002; TOPMed 0.00002; ESP Exome Variant Server 0.00008; 1000 Genomes Project 30x 0.00031.
gnomAD v4.1: 22 of 1,611,746 alleles (0.0014%); highest among the groups gnomAD compares: South Asian, 0.0088%; no homozygotes.

Submission:

Labcorp Genetics (formerly Invitae), Labcorp
Classification: Uncertain significance. Last evaluated: 2025-04-16. Review status: criteria provided, single submitter. Criteria: Invitae Variant Classification Sherloc (09022015). Collection method: clinical testing. Allele origin: germline.
Comment: This sequence change replaces proline, which is neutral and non-polar, with leucine, which is neutral and non-polar, at codon 202 of the RAB28 protein (p.Pro202Leu). The frequency data for this variant in the population databases is considered unreliable, as metrics indicate poor data quality at this position in the gnomAD database. This variant has not been reported in the literature in individuals affected with RAB28-related conditions. ClinVar contains an entry for this variant (Variation ID: 968424). An algorithm developed to predict the effect of missense changes on protein structure and function (PolyPhen-2) suggests that this variant is likely to be tolerated. In summary, the available evidence is currently insufficient to determine the role of this variant in disease. Therefore, it has been classified as a Variant of Uncertain Significance.